The following is an entry in ClinVar:

NM_001042492.3(NF1):c.4266dup (p.Glu1423Ter)

Gene: NF1 (neurofibromin 1; plus strand). Cytogenetic location: 17q11.2.
Variant type: Duplication.
Coding change: c.4266dup on transcript NM_001042492.3 (MANE Select); coding-DNA position 4266, one base duplicated (T; older notation c.4266dupT).
Protein change: p.Glu1423Ter; replaces glutamic acid 1423 with a stop codon.
Molecular consequence: nonsense. On other transcripts: frameshift variant (2).
Genome position (GRCh38, 1-based): chr17:31,258,436, T duplicated. VCF-style (leftmost placement, unchanged base first): chr17-31258435-A-AT. GRCh37 (hg19) VCF-style: chr17-29585453-A-AT.
Other names: c.4266dupT (NM_001042492.2); c.4203dup, p.Glu1402Terfs (NM_000267.4); short protein forms E1402*, E1423*.
Identifiers: ClinVar variation 232744 (VCV000232744.3), dbSNP rs876659964, ClinGen allele CA10580308.

ClinVar aggregate classification (germline): Pathogenic (1 of 4 stars; one submission).

Conditions:
Hereditary cancer-predisposing syndrome. Also called: Neoplastic Syndromes, Hereditary; Tumor predisposition; Hereditary Cancer Syndrome; Hereditary neoplastic syndrome. Identifiers: Orphanet 140162, MedGen C0027672, MeSH D009386, MONDO:0015356.

Submission:

Ambry Genetics
Classification: Pathogenic for Hereditary cancer-predisposing syndrome. Last evaluated: 2015-07-01. Review status: criteria provided, single submitter. Criteria: Ambry Autosomal Dominant and X-Linked criteria (10/2015). Collection method: clinical testing. Allele origin: germline. Observed: 1 variant allele.
Comment: The c.4266dupT pathogenic mutation, located in coding exon 32 of the NF1 gene, results from a duplication of T at nucleotide position 4266, resulting instop codon within exon 32.Since frameshifts are typically deleterious in nature, this alteration is interpreted as a disease-causing mutation (ACMG Recommendations for Standards for Interpretation and Reporting of Sequence Variations. Revision 2007. Genet Med. 2008;10:294).